The following is an entry in ClinVar:

NM_000083.3(CLCN1):c.432G>A (p.Gln144=)

Gene: CLCN1 (chloride voltage-gated channel 1; plus strand). Cytogenetic location: 7q34.
Variant type: single nucleotide variant.
Coding change: c.432G>A on transcript NM_000083.3 (MANE Select); coding-DNA position 432, G replaced by A.
Protein change: p.Gln144=; no amino-acid change (glutamine 144 retained).
Molecular consequence: synonymous variant. On other transcripts: non-coding transcript variant (1).
Genome position (GRCh38, 1-based): chr7:143,320,794, G>A. VCF-style: chr7-143320794-G-A. GRCh37 (hg19) VCF-style: chr7-143017887-G-A.
Identifiers: ClinVar variation 531759 (VCV000531759.6), dbSNP rs921731349, ClinGen allele CA168254580.

ClinVar aggregate classification (germline): Uncertain significance (1 of 4 stars; one submission).

Conditions:
Congenital myotonia, autosomal recessive form. Also called: Becker Generalized Myotonia; BECKER DISEASE; myotonia congenita, autosomal recessive. Identifiers: Orphanet 614, MedGen C0751360, MONDO:0009715, OMIM 255700.
Congenital myotonia, autosomal dominant form (THD). Also called: THOMSEN DISEASE; Myotonia congenita autosomal dominant. Identifiers: Orphanet 614, MedGen C2936781, MONDO:0008055, OMIM 160800.

Allele frequency attached by ClinVar (database versions not stated): gnomAD 0.00001; TOPMed 0.00001; gnomAD exomes 0.00002.
gnomAD v4.1: 14 of 1,613,932 alleles (0.00087%); highest among the groups gnomAD compares: Non-Finnish European, 0.0012%; no homozygotes.

Submission:

Labcorp Genetics (formerly Invitae), Labcorp
Classification: Uncertain significance for Congenital myotonia, autosomal recessive form; Congenital myotonia, autosomal dominant form. Last evaluated: 2019-06-11. Review status: criteria provided, single submitter. Criteria: Invitae Variant Classification Sherloc (09022015). Collection method: clinical testing. Allele origin: germline.
Comment: This sequence change affects codon 144 of the CLCN1 mRNA. It is a 'silent' change, meaning that it does not change the encoded amino acid sequence of the CLCN1 protein. This variant is not present in population databases (ExAC no frequency). This variant has not been reported in the literature in individuals with CLCN1-related disease. ClinVar contains an entry for this variant (Variation ID: 531759). Algorithms developed to predict the effect of sequence changes on RNA splicing suggest that this variant is not likely to affect RNA splicing, but this prediction has not been confirmed by published transcriptional studies. In summary, the available evidence is currently insufficient to determine the role of this variant in disease. Therefore, it has been classified as a Variant of Uncertain Significance.